The following is an entry in ClinVar:

ClinVar aggregate classification (germline): Uncertain significance (1 of 4 stars; one submission).

Submissions (3):

GeneDx
Classification: Uncertain significance. Last evaluated: 2025-04-28. Review status: criteria provided, single submitter. Criteria: GeneDx Variant Classification Process June 2021. Collection method: clinical testing. Allele origin: germline. Affected: yes.
Comment: Not observed at significant frequency in large population cohorts (gnomAD); In silico analysis supports that this missense variant has a deleterious effect on protein structure/function; Has not been previously published as pathogenic or benign to our knowledge

Dr. Peter K. Rogan Lab, Western University
No classification provided (evidence only). Condition: Thyroid cancer, nonmedullary, 1. Review status: no classification provided. Collection method: in vitro. Allele origin: not applicable. Functional consequence: skipped exon. Not counted in ClinVar's aggregate classification.

Dr. Peter K. Rogan Lab, Western University
No classification provided (evidence only). Condition: Thyroid cancer, nonmedullary, 1. Review status: no classification provided. Collection method: in vitro. Allele origin: not applicable. Functional consequence: skipped exon, retained intron. Not counted in ClinVar's aggregate classification.

NM_002024.6(FMR1):c.155C>A (p.Pro52His)

Gene: FMR1 (fragile X messenger ribonucleoprotein 1; plus strand). Cytogenetic location: Xq27.3.
Variant type: single nucleotide variant.
Coding change: c.155C>A on transcript NM_002024.6 (MANE Select); coding-DNA position 155, C replaced by A.
Protein change: p.Pro52His; replaces proline 52 with histidine.
Molecular consequence: missense variant. On other transcripts: non-coding transcript variant (2).
Genome position (GRCh38, 1-based): chrX:147,925,590, C>A. VCF-style: chrX-147925590-C-A. GRCh37 (hg19) VCF-style: chrX-147007108-C-A.
Other names: NC_000023.10:g.147007108C>A; c.155C>A, p.Pro52His (NM_001185075.2, NM_001185076.2, NM_001185081.2 and 1 more transcripts); c.155C>A (NM_002024.4); short protein forms P52H.
Identifiers: ClinVar variation 4474891 (VCV004474891.2).